The following is an entry in ClinVar:

NM_000313.4(PROS1):c.1309G>A (p.Glu437Lys)

Gene: PROS1 (protein S; minus strand). Cytogenetic location: 3q11.1.
Variant type: single nucleotide variant.
Coding change: c.1309G>A on transcript NM_000313.4 (MANE Select); coding-DNA position 1309, G replaced by A.
Protein change: p.Glu437Lys; replaces glutamic acid 437 with lysine.
Molecular consequence: missense variant.
Genome position (GRCh38, 1-based): chr3:93,886,350, C>T on the plus strand (G>A on the coding strand, the complement: PROS1 is on the minus strand). VCF-style: chr3-93886350-C-T. GRCh37 (hg19) VCF-style: chr3-93605194-C-T.
Other names: c.1405G>A, p.Glu469Lys (NM_001314077.2); short protein forms E437K, E469K.
Identifiers: ClinVar variation 1424055 (VCV001424055.8), dbSNP rs771370692, ClinGen allele CA2503230.

ClinVar aggregate classification (germline): Uncertain significance (1 of 4 stars; one submission).

Conditions:
Thrombophilia due to protein S deficiency, autosomal recessive (THPH6). Identifiers: Orphanet 743, MedGen C3281092, MONDO:0013791, OMIM 614514. Disease mechanism: loss of function.

Allele frequency attached by ClinVar (database versions not stated): gnomAD exomes below 0.00001; ExAC 0.00001; TOPMed 0.00005; gnomAD 0.00006 and 0.00007.
gnomAD v4.1: 11 of 1,613,544 alleles (0.00068%); highest among the groups gnomAD compares: African/African-American, 0.012%; no homozygotes.

Submission:

Labcorp Genetics (formerly Invitae), Labcorp
Classification: Uncertain significance for Thrombophilia due to protein S deficiency, autosomal recessive. Last evaluated: 2023-03-08. Review status: criteria provided, single submitter. Criteria: Invitae Variant Classification Sherloc (09022015). Collection method: clinical testing. Allele origin: germline.
Comment: This sequence change replaces glutamic acid, which is acidic and polar, with lysine, which is basic and polar, at codon 437 of the PROS1 protein (p.Glu437Lys). This variant is present in population databases (rs771370692, gnomAD 0.007%). This variant has not been reported in the literature in individuals affected with PROS1-related conditions. ClinVar contains an entry for this variant (Variation ID: 1424055). Advanced modeling of protein sequence and biophysical properties (such as structural, functional, and spatial information, amino acid conservation, physicochemical variation, residue mobility, and thermodynamic stability) performed at Invitae indicates that this missense variant is not expected to disrupt PROS1 protein function. In summary, the available evidence is currently insufficient to determine the role of this variant in disease. Therefore, it has been classified as a Variant of Uncertain Significance.